The following is an entry in ClinVar:

ClinVar aggregate classification (germline): Likely benign. Review status: criteria provided, multiple submitters, no conflicts (2 of 4 stars). 2 submissions from 2 submitters: Likely benign (2). Last evaluated 2025-10-15.

Conditions:
Emery-Dreifuss muscular dystrophy 4, autosomal dominant (EDMD4). Also called: EMERY-DREIFUSS MUSCULAR DYSTROPHY 4 WITH VARIABLE FEATURES. Identifiers: Orphanet 261, MedGen C2751807, MONDO:0013071, OMIM 612998.
Autosomal recessive ataxia, Beauce type. Also called: Spinocerebellar ataxia, autosomal recessive 8; ATAXIA, RECESSIVE, OF BEAUCE; SYNE1-Related Autosomal Recessive Cerebellar Ataxia; SYNE1 Deficiency. Identifiers: Orphanet 88644, MedGen C1853116, MONDO:0012549, OMIM 610743.

Allele frequency attached by ClinVar (database versions not stated): gnomAD exomes 0.00001; TOPMed 0.00001; ExAC 0.00002; gnomAD 0.00002.
gnomAD v4.1: 18 of 1,614,062 alleles (0.0011%); highest among the groups gnomAD compares: African/African-American, 0.004%; no homozygotes.

Submissions (2):

Labcorp Genetics (formerly Invitae), Labcorp
Classification: Likely benign for Emery-Dreifuss muscular dystrophy 4, autosomal dominant; Autosomal recessive ataxia, Beauce type. Last evaluated: 2025-10-15. Review status: criteria provided, single submitter. Criteria: Invitae Variant Classification Sherloc (09022015). Collection method: clinical testing. Allele origin: germline.

CeGaT Center for Human Genetics Tuebingen
Classification: Likely benign. Last evaluated: 2023-02-01. Review status: criteria provided, single submitter. Criteria: CeGaT Center For Human Genetics Tuebingen Variant Classification Criteria Version 2. Collection method: clinical testing. Allele origin: germline. Affected: yes. Observed: 1 variant allele.
Comment: SYNE1: BP4, BP7

NM_182961.4(SYNE1):c.9789G>A (p.Ala3263=)

Gene: SYNE1 (spectrin repeat containing nuclear envelope protein 1; minus strand). Cytogenetic location: 6q25.2.
Variant type: single nucleotide variant.
Coding change: c.9789G>A on transcript NM_182961.4 (MANE Select); coding-DNA position 9789, G replaced by A.
Protein change: p.Ala3263=; no amino-acid change (alanine 3263 retained).
Molecular consequence: synonymous variant.
Genome position (GRCh38, 1-based): chr6:152,368,990, C>T on the plus strand (G>A on the coding strand, the complement: SYNE1 is on the minus strand). VCF-style: chr6-152368990-C-T. GRCh37 (hg19) VCF-style: chr6-152690125-C-T.
Other names: c.9810G>A, p.Ala3270= (NM_033071.5).
Identifiers: ClinVar variation 2657021 (VCV002657021.25), dbSNP rs548972580, ClinGen allele CA4057210.